The following is an entry in ClinVar:

ClinVar aggregate classification (germline): Uncertain significance (1 of 4 stars; one submission).

gnomAD v4.1: 1 of 1,614,216 alleles (0.000062%); no homozygotes.

Submission:

GeneDx
Classification: Uncertain significance. Last evaluated: 2020-06-16. Review status: criteria provided, single submitter. Criteria: GeneDx Variant Classification Process June 2021. Collection method: clinical testing. Allele origin: germline. Affected: yes.
Comment: Not observed in large population cohorts (Lek et al., 2016); In silico analysis, which includes protein predictors and evolutionary conservation, supports a deleterious effect; Has not been previously published as pathogenic or benign to our knowledge

NM_015909.4(NBAS):c.7034C>A (p.Ser2345Tyr)

Gene: NBAS (NBAS subunit of NRZ tethering complex; minus strand). Cytogenetic location: 2p24.3.
Variant type: single nucleotide variant.
Coding change: c.7034C>A on transcript NM_015909.4 (MANE Select); coding-DNA position 7034, C replaced by A.
Protein change: p.Ser2345Tyr; replaces serine 2345 with tyrosine.
Molecular consequence: missense variant. On other transcripts: non-coding transcript variant (1).
Genome position (GRCh38, 1-based): chr2:15,167,130, G>T on the plus strand (C>A on the coding strand, the complement: NBAS is on the minus strand). VCF-style: chr2-15167130-G-T. GRCh37 (hg19) VCF-style: chr2-15307254-G-T.
Other names: short protein forms S2345Y.
Identifiers: ClinVar variation 1306408 (VCV001306408.2), dbSNP rs2125094035, ClinGen allele CA345910875.